The following is an entry in ClinVar:

NM_003873.7(NRP1):c.1815C>T (p.Asp605=)

Gene: NRP1 (neuropilin 1; minus strand). Cytogenetic location: 10p11.22.
Variant type: single nucleotide variant.
Coding change: c.1815C>T on transcript NM_003873.7 (MANE Select); coding-DNA position 1815, C replaced by T.
Protein change: p.Asp605=; no amino-acid change (aspartic acid 605 retained).
Molecular consequence: synonymous variant. On other transcripts: non-coding transcript variant (1), intron variant (1).
Genome position (GRCh38, 1-based): chr10:33,202,940, G>A on the plus strand (C>T on the coding strand, the complement: NRP1 is on the minus strand). VCF-style: chr10-33202940-G-A. GRCh37 (hg19) VCF-style: chr10-33491868-G-A.
Other names: c.1815C>T, p.Asp605= (NM_001024628.3, NM_001244972.2, NM_001244973.2 and 1 more transcripts); c.1759+4632C>T (NM_001024629.3).
Identifiers: ClinVar variation 3036295 (VCV003036295.2), dbSNP rs148913335, ClinGen allele CA5466426.

ClinVar aggregate classification (germline): Likely benign (0 of 4 stars; one submission).

Conditions:
NRP1-related disorder. Also called: NRP1-related condition.

Allele frequency attached by ClinVar (database versions not stated): ESP Exome Variant Server 0.00008; TOPMed 0.00014; ExAC 0.00015.
gnomAD v4.1: 405 of 1,614,038 alleles (0.025%); highest among the groups gnomAD compares: Non-Finnish European, 0.032%; no homozygotes.

Submission:

PreventionGenetics, part of Exact Sciences
Classification: Likely benign for NRP1-related condition. Last evaluated: 2022-03-04. Review status: no assertion criteria provided. Collection method: clinical testing. Allele origin: germline.
Comment: This variant is classified as likely benign based on ACMG/AMP sequence variant interpretation guidelines (Richards et al. 2015 PMID: 25741868, with internal and published modifications).